The following is an entry in ClinVar:

ClinVar aggregate classification (germline): Uncertain significance (1 of 4 stars; one submission).

Conditions:
Cardiovascular phenotype. Identifiers: MedGen CN230736.

Submission:

Ambry Genetics
Classification: Uncertain significance for Cardiovascular phenotype. Last evaluated: 2025-11-10. Review status: criteria provided, single submitter. Criteria: Ambry Variant Classification Scheme 2023. Collection method: clinical testing. Allele origin: germline.
Comment: The p.H265N variant (also known as c.793C>A), located in coding exon 5 of the CBL gene, results from a C to A substitution at nucleotide position 793. The histidine at codon 265 is replaced by asparagine, an amino acid with similar properties. This amino acid position is conserved. In addition, the in silico prediction for this alteration is inconclusive. Based on the available evidence, the clinical significance of this variant remains unclear.

NM_005188.4(CBL):c.793C>A (p.His265Asn)

Gene: CBL (Cbl proto-oncogene; plus strand). Cytogenetic location: 11q23.3.
Variant type: single nucleotide variant.
Coding change: c.793C>A on transcript NM_005188.4 (MANE Select); coding-DNA position 793, C replaced by A.
Protein change: p.His265Asn; replaces histidine 265 with asparagine.
Molecular consequence: missense variant.
Genome position (GRCh38, 1-based): chr11:119,274,877, C>A. VCF-style: chr11-119274877-C-A. GRCh37 (hg19) VCF-style: chr11-119145587-C-A.
Other names: short protein forms H265N.
Identifiers: ClinVar variation 4613866 (VCV004613866.1).